The following continues an entry in ClinVar:

NM_001267550.2(TTN):c.93005G>T (p.Ser31002Ile)

ClinVar aggregate classification (germline): Conflicting classifications of pathogenicity. Uncertain significance (10); Benign (3); Likely benign (8).

Submissions 18 to 25 of 25:

Eurofins Ntd Llc (ga)
Classification: Uncertain significance. Last evaluated: 2017-10-27. Review status: criteria provided, single submitter. Criteria: EGL Classification Definitions 2015. Collection method: clinical testing. Allele origin: germline. Observed: 6 variant alleles, 6 heterozygotes.

Genetic Services Laboratory, University of Chicago
Classification: Uncertain significance. Last evaluated: 2016-05-16. Review status: criteria provided, single submitter. Criteria: ACMG Guidelines, 2015. Collection method: clinical testing. Allele origin: germline. Affected: no.

Laboratory for Molecular Medicine, Mass General Brigham Personalized Medicine
Classification: Uncertain significance. Last evaluated: 2015-04-08. Review status: criteria provided, single submitter. Criteria: LMM Criteria. Collection method: clinical testing. Allele origin: germline. Observed: 1 variant allele.
Comment: Variant classified as Uncertain Significance - Favor Benign. The p.Ser28434Ile v ariant in TTN has not been previously reported in individuals with cardiomyopath y, but has been identified in 0.2% (103/66734) of European chromosomes by the Ex ome Aggregation Consortium (ExAC; dbSNP rs180975 448). Computational prediction tools and conservation analysis do not provide st rong support for or against an impact to the protein. In summary, while the clin ical significance of the p.Ser28434Ile variant is uncertain, its frequency sugge sts that it is more likely to be benign.

Biesecker Lab/Clinical Genomics Section, National Institutes of Health
Classification: Likely benign. Last evaluated: 2013-06-24. Review status: criteria provided, single submitter. Criteria: Ng et al. (Circ Cardiovasc Genet. 2013). Collection method: research. Allele origin: unknown. Observed: 2 variant alleles. Study: ClinSeq.
Comment: The study set was not selected for affection status in relation to any cancer. Pathogenicity categories were based on literature curation. See Pubmed ID:23861362 for details.

Medical sequencing

Clinical Genetics DNA and cytogenetics Diagnostics Lab, Erasmus MC, Erasmus Medical Center
Classification: Likely benign. Review status: no assertion criteria provided. Collection method: clinical testing. Allele origin: germline. Affected: yes. Study: VKGL Data-share Consensus. Not counted in ClinVar's aggregate classification.

Clinical Genetics, Academic Medical Center
Classification: Benign. Review status: no assertion criteria provided. Collection method: clinical testing. Allele origin: germline. Affected: yes. Study: VKGL Data-share Consensus. Not counted in ClinVar's aggregate classification.

Genome Diagnostics Laboratory, University Medical Center Utrecht
Classification: Likely benign. Review status: no assertion criteria provided. Collection method: clinical testing. Allele origin: germline. Affected: yes. Study: VKGL Data-share Consensus. Not counted in ClinVar's aggregate classification.

Joint Genome Diagnostic Labs from Nijmegen and Maastricht, Radboudumc and MUMC+
Classification: Likely benign. Review status: no assertion criteria provided. Collection method: clinical testing. Allele origin: germline. Affected: yes. Study: VKGL Data-share Consensus. Not counted in ClinVar's aggregate classification.

Literature cited by the submitters: PubMed 23396983 (cited by Mayo Clinic Laboratories, Mayo Clinic); PubMed 23861362 (cited by Mayo Clinic Laboratories, Mayo Clinic).